The following is an entry in ClinVar:

NM_001029883.3(PCARE):c.514G>A (p.Gly172Ser)

Gene: PCARE (photoreceptor cilium actin regulator; minus strand). Cytogenetic location: 2p23.2.
Variant type: single nucleotide variant.
Coding change: c.514G>A on transcript NM_001029883.3 (MANE Select); coding-DNA position 514, G replaced by A.
Protein change: p.Gly172Ser; replaces glycine 172 with serine.
Molecular consequence: missense variant.
Genome position (GRCh38, 1-based): chr2:29,073,748, C>T on the plus strand (G>A on the coding strand, the complement: PCARE is on the minus strand). VCF-style: chr2-29073748-C-T. GRCh37 (hg19) VCF-style: chr2-29296614-C-T.
Other names: short protein forms G172S.
Identifiers: ClinVar variation 2187460 (VCV002187460.4), dbSNP rs2465279726, ClinGen allele CA346482127.

ClinVar aggregate classification (germline): Uncertain significance (1 of 4 stars; one submission).

Submission:

Labcorp Genetics (formerly Invitae), Labcorp
Classification: Uncertain significance. Last evaluated: 2022-05-25. Review status: criteria provided, single submitter. Criteria: Invitae Variant Classification Sherloc (09022015). Collection method: clinical testing. Allele origin: germline.
Comment: In summary, the available evidence is currently insufficient to determine the role of this variant in disease. Therefore, it has been classified as a Variant of Uncertain Significance. Algorithms developed to predict the effect of missense changes on protein structure and function output the following: SIFT: "Tolerated"; PolyPhen-2: "Benign"; Align-GVGD: "Class C0". The serine amino acid residue is found in multiple mammalian species, which suggests that this missense change does not adversely affect protein function. This variant has not been reported in the literature in individuals affected with PCARE-related conditions. This variant is not present in population databases (gnomAD no frequency). This sequence change replaces glycine, which is neutral and non-polar, with serine, which is neutral and polar, at codon 172 of the PCARE protein (p.Gly172Ser).